The following is an entry in ClinVar:

NM_000158.4(GBE1):c.479_483del (p.Pro159_Trp160insTer)

Gene: GBE1 (1,4-alpha-glucan branching enzyme 1; minus strand). Cytogenetic location: 3p12.2.
Variant type: Deletion.
Coding change: c.479_483del on transcript NM_000158.4 (MANE Select); coding-DNA positions 479 to 483, 5 bases deleted (GGGCA; older notation c.479_483delGGGCA).
Protein change: p.Pro159_Trp160insTer.
Molecular consequence: nonsense.
Genome position (GRCh38, 1-based): chr3:81,649,868-81,649,872, TGCCC deleted on the plus strand (GGGCA on the coding strand, the reverse complement: GBE1 is on the minus strand). VCF-style (leftmost placement, unchanged base first): chr3-81649867-TTGCCC-T. GRCh37 (hg19) VCF-style: chr3-81699018-TTGCCC-T.
Identifiers: ClinVar variation 4068468 (VCV004068468.2).

ClinVar aggregate classification (germline): Likely pathogenic (1 of 4 stars; one submission).

Conditions:
Glycogen storage disease, type IV (GSD4). Also called: AMYLOPECTINOSIS; ANDERSEN DISEASE; BRANCHER DEFICIENCY; CIRRHOSIS, FAMILIAL, WITH DEPOSITION OF ABNORMAL GLYCOGEN; GBE1 DEFICIENCY; GLYCOGEN BRANCHING ENZYME DEFICIENCY. Identifiers: Orphanet 367, MedGen C0017923, MONDO:0009292, OMIM 232500.

Submission:

Natera, Inc.
Classification: Likely pathogenic for Glycogen storage disease type IV. Last evaluated: 2025-05-29. Review status: criteria provided, single submitter. Criteria: Natera Variant Classification Schema (03/2026). Collection method: clinical testing. Allele origin: germline.
Comment: The c.479_483del variant in GBE1 is a frameshift variant predicted to shift the reading frame and introduce a stop codon. This variant is expected to result in nonsense mediated decay, truncation, or a dysfunctional protein product. This variant is rare in the general population with a frequency below the threshold expected for the associated phenotype(s). Given the available evidence, this variant is classified as Likely Pathogenic.